The following is an entry in ClinVar:

NM_000093.5(COL5A1):c.655-1917_690del

Gene: COL5A1 (collagen type V alpha 1 chain; plus strand). Cytogenetic location: 9q34.3.
Variant type: Deletion.
Coding change: c.655-1917_690del on transcript NM_000093.5 (MANE Select); 1917 bases into the intron before coding-DNA position 655 through coding-DNA position 690, 1,953 bases deleted.
Molecular consequence: splice acceptor variant.
Genome position (GRCh38, 1-based): chr9:134,725,349-134,727,301, 1,953 bases deleted. GRCh37 (hg19): chr9:137,617,195-137,619,147.
Other names: c.655-1917_690del (NM_001278074.1).
Identifiers: ClinVar variation 578112 (VCV000578112.3), ClinGen allele CA891842749.

ClinVar aggregate classification (germline): Likely pathogenic (1 of 4 stars; one submission).

Conditions:
Ehlers-Danlos syndrome, classic type (cEDS). Identifiers: Orphanet 287, MedGen C4225429, MONDO:0007522.

Submission:

Labcorp Genetics (formerly Invitae), Labcorp
Classification: Likely pathogenic for Ehlers-Danlos syndrome, classic type. Last evaluated: 2018-06-12. Review status: criteria provided, single submitter. Criteria: Invitae Variant Classification Sherloc (09022015). Collection method: clinical testing. Allele origin: germline.
Comment: This variant is a gross deletion of the genomic region encompassing part of exon 5 (c.655-1917_690del) of the COL5A1 gene. It is expected to disrupt RNA splicing and likely results in an absent or disrupted protein product. This variant has not been reported in the literature in individuals with COL5A1-related disease. Loss-of-function variants in COL5A1 are known to be pathogenic (PMID:Â¬â€ 23587214). In summary, the currently available evidence indicates that the variant is pathogenic, but additional data are needed to prove that conclusively. Therefore, this variant has been classified as Likely Pathogenic.